The following is an entry in ClinVar:

NM_001015880.2(PAPSS2):c.381+8_381+24dup

Gene: PAPSS2 (3'-phosphoadenosine 5'-phosphosulfate synthase 2; plus strand). Cytogenetic location: 10q23.31.
Variant type: Duplication.
Coding change: c.381+8_381+24dup on transcript NM_001015880.2 (MANE Select); bases 8 to 24 of the intron after coding-DNA position 381, 17 bases duplicated (AAAAAAAAAAAAAAAAA).
Molecular consequence: intron variant.
Genome position (GRCh38, 1-based): chr10:87,713,318-87,713,334, AAAAAAAAAAAAAAAAA duplicated; duplicating any 17 consecutive bases within chr10:87,713,313-87,713,334 gives the same sequence; the c. name uses the placement nearest the transcript's 3' end. VCF-style (leftmost placement, unchanged base first): chr10-87713312-T-TAAAAAAAAAAAAAAAAA. GRCh37 (hg19) VCF-style: chr10-89473069-T-TAAAAAAAAAAAAAAAAA.
Other names: c.381+8_381+24dup (NM_004670.4).
Identifiers: ClinVar variation 4821709 (VCV004821709.4).
Genomic context (GRCh38, chr10:87,713,312, plus strand): 5'-AGCTGTTTGCTGATGCTGGTCTGGTCTGCATTACCAGCTTTATTTCTCCATTCGCAAAGG[T>TAAAAAAAAAAAAAAAAA]AAAAAAAAAAAAAAAAAAAAAAGGCACTACACACGATTCCCACACACAGTGCAAGTGCTC-3'

ClinVar aggregate classification (germline): Likely benign (1 of 4 stars; one submission).

Submission:

CeGaT Center for Human Genetics Tuebingen
Classification: Likely benign. Last evaluated: 2026-05-01. Review status: criteria provided, single submitter. Criteria: CeGaT Center For Human Genetics Tuebingen Variant Classification Criteria Version 2. Collection method: clinical testing. Allele origin: germline. Affected: yes. Observed: 2 variant alleles.
Comment: PAPSS2: BS2